The following is an entry in ClinVar:

NM_003737.4(DCHS1):c.1988G>A (p.Gly663Glu)

Gene: DCHS1 (dachsous cadherin-related 1; minus strand). Cytogenetic location: 11p15.4.
Variant type: single nucleotide variant.
Coding change: c.1988G>A on transcript NM_003737.4 (MANE Select); coding-DNA position 1988, G replaced by A.
Protein change: p.Gly663Glu; replaces glycine 663 with glutamic acid.
Molecular consequence: missense variant.
Genome position (GRCh38, 1-based): chr11:6,634,019, C>T on the plus strand (G>A on the coding strand, the complement: DCHS1 is on the minus strand). VCF-style: chr11-6634019-C-T. GRCh37 (hg19) VCF-style: chr11-6655250-C-T.
Other names: short protein forms G663E.
Identifiers: ClinVar variation 3662955 (VCV003662955.2).

ClinVar aggregate classification (germline): Uncertain significance (1 of 4 stars; one submission).

Submission:

Labcorp Genetics (formerly Invitae), Labcorp
Classification: Uncertain significance. Last evaluated: 2024-08-20. Review status: criteria provided, single submitter. Criteria: Invitae Variant Classification Sherloc (09022015). Collection method: clinical testing. Allele origin: germline.
Comment: This sequence change replaces glycine, which is neutral and non-polar, with glutamic acid, which is acidic and polar, at codon 663 of the DCHS1 protein (p.Gly663Glu). This variant is not present in population databases (gnomAD no frequency). This variant has not been reported in the literature in individuals affected with DCHS1-related conditions. An algorithm developed to predict the effect of missense changes on protein structure and function (PolyPhen-2) suggests that this variant is likely to be disruptive. In summary, the available evidence is currently insufficient to determine the role of this variant in disease. Therefore, it has been classified as a Variant of Uncertain Significance.